The following is an entry in ClinVar:

ClinVar aggregate classification (germline): Uncertain significance (1 of 4 stars; one submission).

Conditions:
Dyskeratosis congenita. Identifiers: Orphanet 1775, MedGen C0265965, MONDO:0015780.

Submission:

Labcorp Genetics (formerly Invitae), Labcorp
Classification: Uncertain significance for Dyskeratosis congenita. Last evaluated: 2023-10-06. Review status: criteria provided, single submitter. Criteria: Invitae Variant Classification Sherloc (09022015). Collection method: clinical testing. Allele origin: germline.
Comment: This sequence change replaces proline, which is neutral and non-polar, with threonine, which is neutral and polar, at codon 23 of the DKC1 protein (p.Pro23Thr). This variant is not present in population databases (gnomAD no frequency). This variant has not been reported in the literature in individuals affected with DKC1-related conditions. An algorithm developed to predict the effect of missense changes on protein structure and function (PolyPhen-2) suggests that this variant is likely to be tolerated. In summary, the available evidence is currently insufficient to determine the role of this variant in disease. Therefore, it has been classified as a Variant of Uncertain Significance.

NM_001363.5(DKC1):c.67C>A (p.Pro23Thr)

Gene: DKC1 (dyskerin pseudouridine synthase 1; plus strand). Cytogenetic location: Xq28.
Variant type: single nucleotide variant.
Coding change: c.67C>A on transcript NM_001363.5 (MANE Select); coding-DNA position 67, C replaced by A.
Protein change: p.Pro23Thr; replaces proline 23 with threonine.
Molecular consequence: missense variant. On other transcripts: non-coding transcript variant (3).
Genome position (GRCh38, 1-based): chrX:154,764,949, C>A. VCF-style: chrX-154764949-C-A. GRCh37 (hg19) VCF-style: chrX-153993224-C-A.
Other names: c.67C>A, p.Pro23Thr (NM_001142463.3, NM_001288747.2); short protein forms P23T.
Identifiers: ClinVar variation 2766533 (VCV002766533.3), dbSNP rs2523677862, ClinGen allele CA414888765.